The following is an entry in ClinVar:

NM_001376.5(DYNC1H1):c.4257G>C (p.Arg1419Ser)

Gene: DYNC1H1 (dynein cytoplasmic 1 heavy chain 1; plus strand). Cytogenetic location: 14q32.31.
Variant type: single nucleotide variant.
Coding change: c.4257G>C on transcript NM_001376.5 (MANE Select); coding-DNA position 4257, G replaced by C.
Protein change: p.Arg1419Ser; replaces arginine 1419 with serine.
Molecular consequence: missense variant.
Genome position (GRCh38, 1-based): chr14:102,001,216, G>C. VCF-style: chr14-102001216-G-C. GRCh37 (hg19) VCF-style: chr14-102467553-G-C.
Other names: short protein forms R1419S.
Identifiers: ClinVar variation 1004547 (VCV001004547.8), dbSNP rs2048126705, ClinGen allele CA391040292.

ClinVar aggregate classification (germline): Uncertain significance (1 of 4 stars; one submission).

Conditions:
Charcot-Marie-Tooth disease axonal type 2O. Also called: CHARCOT-MARIE-TOOTH NEUROPATHY, AXONAL, TYPE 2O; CHARCOT-MARIE-TOOTH DISEASE, AXONAL, AUTOSOMAL DOMINANT, TYPE 2O; Charcot-Marie-Tooth disease, axonal, type 20; Charcot-Marie-Tooth Neuropathy Type 2O. Identifiers: Orphanet 284232, MedGen C3280220, MONDO:0013644, OMIM 614228.

Submission:

Labcorp Genetics (formerly Invitae), Labcorp
Classification: Uncertain significance for Charcot-Marie-Tooth disease axonal type 2O. Last evaluated: 2020-02-27. Review status: criteria provided, single submitter. Criteria: Invitae Variant Classification Sherloc (09022015). Collection method: clinical testing. Allele origin: germline.
Comment: In summary, the available evidence is currently insufficient to determine the role of this variant in disease. Therefore, it has been classified as a Variant of Uncertain Significance. Algorithms developed to predict the effect of missense changes on protein structure and function are either unavailable or do not agree on the potential impact of this missense change (SIFT: "Deleterious"; PolyPhen-2: "Benign"; Align-GVGD: "Class C0"). This variant has not been reported in the literature in individuals with DYNC1H1-related conditions. This variant is not present in population databases (ExAC no frequency). This sequence change replaces arginine with serine at codon 1419 of the DYNC1H1 protein (p.Arg1419Ser). The arginine residue is moderately conserved and there is a moderate physicochemical difference between arginine and serine.